The following is an entry in ClinVar:

ClinVar aggregate classification (germline): Uncertain significance. Review status: criteria provided, multiple submitters, no conflicts (2 of 4 stars). 2 submissions from 2 submitters: Uncertain significance (2). Last evaluated 2024-01-09.

Conditions:
Autosomal recessive ataxia, Beauce type. Also called: Spinocerebellar ataxia, autosomal recessive 8; ATAXIA, RECESSIVE, OF BEAUCE; SYNE1 Deficiency; SYNE1-Related Autosomal Recessive Cerebellar Ataxia. Identifiers: Orphanet 88644, MedGen C1853116, MONDO:0012549, OMIM 610743.
Emery-Dreifuss muscular dystrophy 4, autosomal dominant (EDMD4). Also called: EMERY-DREIFUSS MUSCULAR DYSTROPHY 4 WITH VARIABLE FEATURES. Identifiers: Orphanet 261, MedGen C2751807, MONDO:0013071, OMIM 612998.

Submissions (2):

Labcorp Genetics (formerly Invitae), Labcorp
Classification: Uncertain significance for Emery-Dreifuss muscular dystrophy 4, autosomal dominant; Autosomal recessive ataxia, Beauce type. Last evaluated: 2024-01-09. Review status: criteria provided, single submitter. Criteria: Invitae Variant Classification Sherloc (09022015). Collection method: clinical testing. Allele origin: germline.
Comment: This sequence change replaces histidine, which is basic and polar, with tyrosine, which is neutral and polar, at codon 7695 of the SYNE1 protein (p.His7695Tyr). This variant is not present in population databases (gnomAD no frequency). This variant has not been reported in the literature in individuals affected with SYNE1-related conditions. ClinVar contains an entry for this variant (Variation ID: 285185). An algorithm developed to predict the effect of missense changes on protein structure and function (PolyPhen-2) suggests that this variant is likely to be disruptive. In summary, the available evidence is currently insufficient to determine the role of this variant in disease. Therefore, it has been classified as a Variant of Uncertain Significance.

Eurofins Ntd Llc (ga)
Classification: Uncertain significance. Last evaluated: 2016-01-18. Review status: criteria provided, single submitter. Criteria: EGL Classification Definitions 2015. Collection method: clinical testing. Allele origin: germline. Observed: 1 variant allele, 1 heterozygote.

NM_182961.4(SYNE1):c.23296C>T (p.His7766Tyr)

Gene: SYNE1 (spectrin repeat containing nuclear envelope protein 1; minus strand). Cytogenetic location: 6q25.2.
Variant type: single nucleotide variant.
Coding change: c.23296C>T on transcript NM_182961.4 (MANE Select); coding-DNA position 23296, C replaced by T.
Protein change: p.His7766Tyr; replaces histidine 7766 with tyrosine.
Molecular consequence: missense variant.
Genome position (GRCh38, 1-based): chr6:152,189,257, G>A on the plus strand (C>T on the coding strand, the complement: SYNE1 is on the minus strand). VCF-style: chr6-152189257-G-A. GRCh37 (hg19) VCF-style: chr6-152510392-G-A.
Other names: c.23083C>T, p.His7695Tyr (NM_033071.5); short protein forms H7695Y, H7766Y.
Identifiers: ClinVar variation 285185 (VCV000285185.8), dbSNP rs886043037, ClinGen allele CA10605027.
Genomic context (GRCh38, chr6:152,189,257, plus strand): 5'-TTCATCTCCCAATTTTCCATCATCAAGATAATTCCATTTTTAGAACTTATCTTACCTGGT[G>A]GCATAGTTCTTCCCACTGCCTTTGCAGAAGCTCTACGCGTTCATTAAGAATGGAGATATC-3'
Protein context (NP_892006.3, residues 7756-7776): LLQRQWEELC[His7766Tyr]QLSLRRQQIG